The following is an entry in ClinVar:

ClinVar aggregate classification (germline): Pathogenic (1 of 4 stars; one submission).

Conditions:
X-linked lymphoproliferative disease due to SH2D1A deficiency (XLP1). Also called: DUNCAN DISEASE; IMMUNODEFICIENCY 5; IMMUNODEFICIENCY, X-LINKED PROGRESSIVE COMBINED VARIABLE; INFECTIOUS MONONUCLEOSIS, SEVERE, SUSCEPTIBILITY TO; PURTILO SYNDROME; SH2D1A-Related Lymphoproliferative Disease, X-Linked. Identifiers: Orphanet 2442, Orphanet 538931, MedGen C5399825, MONDO:0024551, OMIM 308240.

Submission:

Labcorp Genetics (formerly Invitae), Labcorp
Classification: Pathogenic for X-linked lymphoproliferative disease due to SH2D1A deficiency. Last evaluated: 2022-08-09. Review status: criteria provided, single submitter. Criteria: Invitae Variant Classification Sherloc (09022015). Collection method: clinical testing. Allele origin: germline.
Comment: This variant is a gross deletion of the genomic region encompassing exon(s) 2 of the SH2D1A gene. This deletion is out-of-frame, and is expected to create a premature termination codon and result in an absent or disrupted protein product. Loss-of-function variants in SH2D1A are known to be pathogenic (PMID: 9771704, 11049992, 15711562). A similar copy number variant has been observed in individuals with X-linked recessive lymphoproliferative syndrome (PMID: 10598819, 11049992; Invitae). For these reasons, this variant has been classified as Pathogenic.

Literature cited by the submitters: PubMed 9771704; PubMed 11049992; PubMed 15711562; PubMed 10598819.

NC_000023.10:g.(?_123499591)_(123499694_?)del

Gene: SH2D1A (SH2 domain containing 1A; plus strand). Cytogenetic location: Xq25.
Variant type: Deletion.
Identifiers: ClinVar variation 2424418 (VCV002424418.3).